The following is an entry in ClinVar:

ClinVar aggregate classification (germline): Benign (1 of 4 stars; one submission).

Conditions:
Sessile serrated polyposis cancer syndrome (SSPCS). Identifiers: Orphanet 157798, MedGen C4310714, MONDO:0014919, OMIM 617108.

gnomAD v4.1: 1 of 1,612,720 alleles (0.000062%); highest among the groups gnomAD compares: Non-Finnish European, 0.000085%; no homozygotes.

Submission:

Myriad Genetics, Inc.
Classification: Benign for Sessile serrated polyposis cancer syndrome. Last evaluated: 2026-06-29. Review status: criteria provided, single submitter. Criteria: Myriad Autosomal Dominant, Autosomal Recessive and X-Linked Classification Criteria (2023). Collection method: clinical testing. Allele origin: unknown.
Comment: This variant is considered benign. This variant is a silent/synonymous amino acid change and it is not expected to impact splicing.

NM_017763.6(RNF43):c.408T>C (p.Ala136=)

Gene: RNF43 (ring finger protein 43; minus strand). Cytogenetic location: 17q22.
Variant type: single nucleotide variant.
Coding change: c.408T>C on transcript NM_017763.6 (MANE Select); coding-DNA position 408, T replaced by C.
Protein change: p.Ala136=; no amino-acid change (alanine 136 retained).
Molecular consequence: synonymous variant.
Genome position (GRCh38, 1-based): chr17:58,363,568, A>G on the plus strand (T>C on the coding strand, the complement: RNF43 is on the minus strand). VCF-style: chr17-58363568-A-G. GRCh37 (hg19) VCF-style: chr17-56440929-A-G.
Other names: c.408T>C, p.Ala136= (NM_001305544.3, NM_001438820.1, NM_001438821.1 and 1 more transcripts); c.27T>C, p.Ala9= (NM_001305545.2, NM_001437987.1).
Identifiers: ClinVar variation 4875709 (VCV004875709.1).